The following is an entry in ClinVar:

NM_022765.4(MICAL1):c.322dup (p.Ala108fs)

Gene: MICAL1 (microtubule associated monooxygenase, calponin and LIM domain containing 1; minus strand). Cytogenetic location: 6q21.
Variant type: Duplication.
Coding change: c.322dup on transcript NM_022765.4 (MANE Select); coding-DNA position 322, one base duplicated (G; older notation c.322dupG).
Protein change: p.Ala108fs; shifts the reading frame from alanine 108.
Molecular consequence: frameshift variant.
Genome position (GRCh38, 1-based): chr6:109,453,782, C duplicated on the plus strand (G on the coding strand, the reverse complement: MICAL1 is on the minus strand); the first of 5 consecutive C bases (chr6:109,453,782-109,453,786); duplicating any one gives the same sequence. VCF-style (leftmost placement, unchanged base first): chr6-109453781-G-GC. GRCh37 (hg19) VCF-style: chr6-109774984-G-GC.
Other names: c.322dup, p.Ala108fs (NM_001159291.2); c.379dup, p.Ala127fs (NM_001286613.2); short protein forms A127fs, A108fs.
Identifiers: ClinVar variation 2752202 (VCV002752202.3), dbSNP rs2482815510, ClinGen allele CA2697553654.

ClinVar aggregate classification (germline): Uncertain significance (1 of 4 stars; one submission).

Submission:

Labcorp Genetics (formerly Invitae), Labcorp
Classification: Uncertain significance. Last evaluated: 2024-10-23. Review status: criteria provided, single submitter. Criteria: Invitae Variant Classification Sherloc (09022015). Collection method: clinical testing. Allele origin: germline.
Comment: This sequence change creates a premature translational stop signal (p.Ala127Glyfs*34) in the MICAL1 gene. It is expected to result in an absent or disrupted protein product. However, the current clinical and genetic evidence is not sufficient to establish whether loss-of-function variants in MICAL1 cause disease. This variant is not present in population databases (gnomAD no frequency). This variant has not been reported in the literature in individuals affected with MICAL1-related conditions. In summary, the available evidence is currently insufficient to determine the role of this variant in disease. Therefore, it has been classified as a Variant of Uncertain Significance.